The following is an entry in ClinVar:

NM_021978.4(ST14):c.330C>T (p.Ser110=)

Gene: ST14 (ST14 transmembrane serine protease matriptase; plus strand). Cytogenetic location: 11q24.3.
Variant type: single nucleotide variant.
Coding change: c.330C>T on transcript NM_021978.4 (MANE Select); coding-DNA position 330, C replaced by T.
Protein change: p.Ser110=; no amino-acid change (serine 110 retained).
Molecular consequence: synonymous variant.
Genome position (GRCh38, 1-based): chr11:130,188,618, C>T. VCF-style: chr11-130188618-C-T. GRCh37 (hg19) VCF-style: chr11-130058513-C-T.
Identifiers: ClinVar variation 3025055 (VCV003025055.23), dbSNP rs146745893, ClinGen allele CA6363486.

ClinVar aggregate classification (germline): Likely benign. Review status: criteria provided, multiple submitters, no conflicts (2 of 4 stars). 2 submissions from 2 submitters: Likely benign (2). Last evaluated 2024-11-08.

Allele frequency attached by ClinVar (database versions not stated): gnomAD 0.00017; ExAC 0.00018; TOPMed 0.00019; ESP Exome Variant Server 0.00023.
gnomAD v4.1: 314 of 1,614,242 alleles (0.019%); highest among the groups gnomAD compares: Non-Finnish European, 0.026%; no homozygotes.

Submissions (2):

Blueprint Genetics
Classification: Likely benign. Last evaluated: 2024-11-08. Review status: criteria provided, single submitter. Criteria: ACMG Guidelines, 2015. Collection method: clinical testing. Allele origin: germline.

CeGaT Center for Human Genetics Tuebingen
Classification: Likely benign. Last evaluated: 2023-12-01. Review status: criteria provided, single submitter. Criteria: CeGaT Center For Human Genetics Tuebingen Variant Classification Criteria Version 2. Collection method: clinical testing. Allele origin: germline. Affected: yes. Observed: 1 variant allele.
Comment: ST14: BP4, BP7